The following is an entry in ClinVar:

NM_019109.5(ALG1):c.1150G>C (p.Gly384Arg)

Gene: ALG1 (ALG1 chitobiosyldiphosphodolichol beta-mannosyltransferase; plus strand). Cytogenetic location: 16p13.3.
Variant type: single nucleotide variant.
Coding change: c.1150G>C on transcript NM_019109.5 (MANE Select); coding-DNA position 1150, G replaced by C.
Protein change: p.Gly384Arg; replaces glycine 384 with arginine.
Molecular consequence: missense variant.
Genome position (GRCh38, 1-based): chr16:5,082,636, G>C. VCF-style: chr16-5082636-G-C. GRCh37 (hg19) VCF-style: chr16-5132637-G-C.
Other names: c.817G>C, p.Gly273Arg (NM_001330504.2); short protein forms G384R, G273R.
Identifiers: ClinVar variation 377068 (VCV000377068.4), dbSNP rs1057520122, ClinGen allele CA16603253.

ClinVar aggregate classification (germline): Conflicting classifications of pathogenicity. Review status: criteria provided, conflicting classifications (1 of 4 stars). 2 submissions from 2 submitters: Likely pathogenic (1); Uncertain significance (1). Last evaluated 2025-06-12.

Conditions:
ALG1-congenital disorder of glycosylation. Also called: CDG Ik; ALG1-CDG; CONGENITAL DISORDER OF GLYCOSYLATION, TYPE Ik. Identifiers: Orphanet 79327, MedGen C2931005, MONDO:0012052, OMIM 608540.

Allele frequency attached by ClinVar (database versions not stated): TOPMed 0.00001.

Submissions (2):

Women's Health and Genetics/Laboratory Corporation of America, LabCorp
Classification: Likely pathogenic for ALG1-congenital disorder of glycosylation. Last evaluated: 2025-06-12. Review status: criteria provided, single submitter. Criteria: LabCorp Variant Classification Summary - May 2015. Collection method: clinical testing. Allele origin: germline.
Comment: Variant summary: ALG1 c.1150G>C (p.Gly384Arg) results in a non-conservative amino acid change in the encoded protein sequence. Algorithms developed to predict the effect of missense changes on protein structure and function all suggest that this variant is likely to be disruptive. The variant was absent in 250422 control chromosomes. To our knowledge, no occurrence of c.1150G>C in individuals affected with Congenital Disorder Of Glycosylation Type 1K and no experimental evidence demonstrating its impact on protein function have been reported. A different variant resulting in the same amino acid consequence has been classified as likely pathogenic by our lab (c.1150G>A), supporting the pathogenicity of this variant. ClinVar contains an entry for this variant (Variation ID: 377068). Based on the evidence outlined above, the variant was classified as likely pathogenic.

Center for Pediatric Genomic Medicine, Children's Mercy Hospital and Clinics
Classification: Uncertain significance. Last evaluated: 2016-12-05. Review status: criteria provided, single submitter. Criteria: ACMG Guidelines, 2015. Collection method: clinical testing. Allele origin: germline.
ClinVar note: Converted during submission from Uncertain Significance to Uncertain significance.